The following is an entry in ClinVar:

ClinVar aggregate classification (germline): Uncertain significance (1 of 4 stars; one submission).

Submission:

Women's Health and Genetics/Laboratory Corporation of America, LabCorp
Classification: Uncertain significance. Last evaluated: 2025-07-10. Review status: criteria provided, single submitter. Criteria: LabCorp Variant Classification Summary - May 2015. Collection method: clinical testing. Allele origin: germline.
Comment: Variant summary: NLGN4X c.1357G>A (p.Ala453Thr) results in a non-conservative amino acid change in the encoded protein sequence. Algorithms developed to predict the effect of missense changes on protein structure and function are either unavailable or do not agree on the potential impact of this missense change. The variant allele was found at a frequency of 5.5e-06 in 182200 control chromosomes (gnomAD). The available data on variant occurrences in the general population are insufficient to allow any conclusion about variant significance. To our knowledge, no occurrence of c.1357G>A in individuals affected with NLGN4X-Related Disorders and no experimental evidence demonstrating its impact on protein function have been reported. No submitters have cited clinical-significance assessments for this variant to ClinVar. Based on the evidence outlined above, the variant was classified as uncertain significance.

NM_181332.3(NLGN4X):c.1357G>A (p.Ala453Thr)

Gene: NLGN4X (neuroligin 4 X-linked; minus strand). Cytogenetic location: Xp22.32.
Variant type: single nucleotide variant.
Coding change: c.1357G>A on transcript NM_181332.3 (MANE Select); coding-DNA position 1357, G replaced by A.
Protein change: p.Ala453Thr; replaces alanine 453 with threonine.
Molecular consequence: missense variant.
Genome position (GRCh38, 1-based): chrX:5,903,321, C>T on the plus strand (G>A on the coding strand, the complement: NLGN4X is on the minus strand). VCF-style: chrX-5903321-C-T. GRCh37 (hg19) VCF-style: chrX-5821362-C-T.
Other names: c.1357G>A, p.Ala453Thr (NM_001282145.2, NM_001282146.2, NM_001441322.1 and 4 more transcripts); short protein forms A453T.
Identifiers: ClinVar variation 4525989 (VCV004525989.1).